The following is an entry in ClinVar:

NM_000531.6(OTC):c.890_893del (p.Asp297fs)

Gene: OTC (ornithine transcarbamylase; plus strand). Cytogenetic location: Xp11.4.
Variant type: Deletion.
Coding change: c.890_893del on transcript NM_000531.6 (MANE Select); coding-DNA positions 890 to 893, 4 bases deleted (ACTG; older notation c.890_893delACTG).
Protein change: p.Asp297fs; shifts the reading frame from aspartic acid 297.
Molecular consequence: frameshift variant.
Genome position (GRCh38, 1-based): chrX:38,411,884-38,411,887, ACTG deleted; deleting any 4 consecutive bases within chrX:38,411,881-38,411,887 gives the same sequence; the c. name uses the placement nearest the transcript's 3' end. VCF-style (leftmost placement, unchanged base first): chrX-38411880-TCTGA-T. GRCh37 (hg19) VCF-style: chrX-38271133-TCTGA-T.
Other names: short protein forms D297fs.
Identifiers: ClinVar variation 97347 (VCV000097347.2), dbSNP rs72558459, ClinGen allele CA224819.

ClinVar aggregate classification (germline): Pathogenic (0 of 4 stars; one submission).

Submission:

GenMed Metabolism Lab
Classification: Pathogenic. Review status: no assertion criteria provided. Collection method: not provided. Allele origin: unknown.
Comment: Frameshift, Neonatal
ClinVar note: Converted during submission from pathogenic to Pathogenic.